The following is an entry in ClinVar:

ClinVar aggregate classification (germline): Uncertain significance (1 of 4 stars; one submission).

Submission:

GeneDx
Classification: Uncertain significance. Last evaluated: 2024-11-06. Review status: criteria provided, single submitter. Criteria: GeneDx Variant Classification Process June 2021. Collection method: clinical testing. Allele origin: germline. Affected: yes.
Comment: Not observed at significant frequency in large population cohorts (gnomAD); In silico analysis indicates that this missense variant does not alter protein structure/function; Has not been previously published as pathogenic or benign to our knowledge

NM_000097.7(CPOX):c.68G>T (p.Gly23Val)

Genes: CPOX (coproporphyrinogen oxidase; minus strand), LOC129937121 (ATAC-STARR-seq lymphoblastoid silent region 14560; plus strand). Cytogenetic location: 3q11.2.
Variant type: single nucleotide variant.
Coding change: c.68G>T on transcript NM_000097.7 (MANE Select); coding-DNA position 68, G replaced by T.
Protein change: p.Gly23Val; replaces glycine 23 with valine.
Molecular consequence: missense variant.
Genome position (GRCh38, 1-based): chr3:98,593,437, C>A on the plus strand (G>T on the coding strand, the complement: CPOX is on the minus strand). VCF-style: chr3-98593437-C-A. GRCh37 (hg19) VCF-style: chr3-98312281-C-A.
Other names: short protein forms G23V.
Identifiers: ClinVar variation 3898946 (VCV003898946.1).